The following is an entry in ClinVar:

ClinVar aggregate classification (germline): Conflicting classifications of pathogenicity. Review status: criteria provided, conflicting classifications (1 of 4 stars). 2 submissions from 2 submitters: Uncertain significance (1); Likely benign (1). Last evaluated 2025-08-10.

Conditions:
Intellectual disability, autosomal recessive 53 (NEDHSCA). Also called: GLYCOSYLPHOSPHATIDYLINOSITOL BIOSYNTHESIS DEFECT 13; Mental retardation, autosomal recessive 53; NEURODEVELOPMENTAL DISORDER WITH OR WITHOUT HYPOTONIA, SEIZURES, AND CEREBELLAR ATROPHY. Identifiers: Orphanet 488635, MedGen C4310794, MONDO:0014832, OMIM 616917.

Allele frequency attached by ClinVar (database versions not stated): TOPMed 0.00002; ESP Exome Variant Server 0.00008.

Submissions (2):

Labcorp Genetics (formerly Invitae), Labcorp
Classification: Likely benign for Intellectual disability, autosomal recessive 53. Last evaluated: 2025-08-10. Review status: criteria provided, single submitter. Criteria: Invitae Variant Classification Sherloc (09022015). Collection method: clinical testing. Allele origin: germline.

Baylor Genetics
Classification: Uncertain significance for Intellectual disability, autosomal recessive 53. Last evaluated: 2018-06-09. Review status: criteria provided, single submitter. Criteria: ACMG Guidelines, 2015. Collection method: clinical testing. Allele origin: maternal. Affected: yes.
Comment: This variant was determined to be of uncertain significance according to ACMG Guidelines, 2015 [PMID:25741868].

NM_001127178.3(PIGG):c.846C>A (p.Thr282=)

Gene: PIGG (phosphatidylinositol glycan anchor biosynthesis class G (EMM blood group); plus strand). Cytogenetic location: 4p16.3.
Variant type: single nucleotide variant.
Coding change: c.846C>A on transcript NM_001127178.3 (MANE Select); coding-DNA position 846, C replaced by A.
Protein change: p.Thr282=; no amino-acid change (threonine 282 retained).
Molecular consequence: synonymous variant. On other transcripts: 5 prime UTR variant (3), non-coding transcript variant (10), intron variant (1).
Genome position (GRCh38, 1-based): chr4:508,915, C>A. VCF-style: chr4-508915-C-A. GRCh37 (hg19) VCF-style: chr4-502704-C-A.
Other names: c.579C>A, p.Thr193= (NM_001289051.2, NM_001289053.2, NM_001289057.2 and 2 more transcripts); c.447C>A, p.Thr149= (NM_001289052.2); c.480C>A, p.Thr160= (NM_001289055.2); c.846C>A, p.Thr282= (NM_001345989.2, NM_017733.5); c.-780C>A (NM_001345990.2); c.-642C>A (NM_001345991.2); c.-367C>A (NM_001345994.2); c.-129+1322C>A (NM_001345988.2).
Identifiers: ClinVar variation 576651 (VCV000576651.10), dbSNP rs144638389, ClinGen allele CA91051265.
Genomic context (GRCh38, chr4:508,915, plus strand): 5'-GCTGGTTCTTTGTGGTGACCATGGCATGTCTGAAACAGGAAGTCACGGGGCCTCCTCCAC[C>A]GAGGAGGTGAATACACCTCTGATTTTAATCAGTTCTGCGTTTGAAAGGAAACCCGGTGAG-3'
Protein context (NP_001120650.1, residues 272-292): SETGSHGASS[Thr282=]EEVNTPLILI